The following is an entry in ClinVar:

NM_005751.5(AKAP9):c.3164C>A (p.Ser1055Tyr)

Gene: AKAP9 (A-kinase anchoring protein 9; plus strand). Cytogenetic location: 7q21.2.
Variant type: single nucleotide variant.
Coding change: c.3164C>A on transcript NM_005751.5 (MANE Select); coding-DNA position 3164, C replaced by A.
Protein change: p.Ser1055Tyr; replaces serine 1055 with tyrosine.
Molecular consequence: missense variant.
Genome position (GRCh38, 1-based): chr7:92,003,081, C>A. VCF-style: chr7-92003081-C-A. GRCh37 (hg19) VCF-style: chr7-91632395-C-A.
Other names: c.3164C>A, p.Ser1055Tyr (NM_147185.3); short protein forms S1055Y.
Identifiers: ClinVar variation 1420455 (VCV001420455.11), dbSNP rs373730126, ClinGen allele CA4336249.
Genomic context (GRCh38, chr7:92,003,081, plus strand): 5'-TTTCTAAAGTAAATAAAAGTTTTGGTGAAGAATCAAAAATAATGGTGGAAGATAAAGTTT[C>A]TTTTGAAAATATGACTGTTGGAGAAGAAAGTAAGCAAGAACAGTTGATTTTGGATCACTT-3'
Protein context (NP_005742.4, residues 1045-1065): ESKIMVEDKV[Ser1055Tyr]FENMTVGEES

ClinVar aggregate classification (germline): Conflicting classifications of pathogenicity. Review status: criteria provided, conflicting classifications (1 of 4 stars). 3 submissions from 3 submitters: Uncertain significance (1); Benign (1); Likely benign (1). Last evaluated 2026-01-07.

Conditions:
Cardiovascular phenotype. Identifiers: MedGen CN230736.
Long QT syndrome (LQTS). Identifiers: MedGen C0023976, MeSH D008133, MONDO:0002442. Disease mechanism: loss of function. Inheritance: Various modes of inheritance.

Allele frequency attached by ClinVar (database versions not stated): gnomAD exomes 0.00001 and 0.00003; ExAC 0.00002; ESP Exome Variant Server 0.00008; TOPMed 0.00012; gnomAD 0.00013 and 0.00014.
gnomAD v4.1: 36 of 1,612,582 alleles (0.0022%); highest among the groups gnomAD compares: African/African-American, 0.041%; no homozygotes.

Submissions (3):

Labcorp Genetics (formerly Invitae), Labcorp
Classification: Uncertain significance for Long QT syndrome. Last evaluated: 2026-01-07. Review status: criteria provided, single submitter. Criteria: Invitae Variant Classification Sherloc (09022015). Collection method: clinical testing. Allele origin: germline.
Comment: This sequence change replaces serine, which is neutral and polar, with tyrosine, which is neutral and polar, at codon 1055 of the AKAP9 protein (p.Ser1055Tyr). This variant is present in population databases (rs373730126, gnomAD 0.04%). This variant has not been reported in the literature in individuals affected with AKAP9-related conditions. ClinVar contains an entry for this variant (Variation ID: 1420455). An algorithm developed to predict the effect of missense changes on protein structure and function (PolyPhen-2) suggests that this variant is likely to be tolerated. In summary, the available evidence is currently insufficient to determine the role of this variant in disease. Therefore, it has been classified as a Variant of Uncertain Significance.

Ambry Genetics
Classification: Benign for Cardiovascular phenotype. Last evaluated: 2024-02-07. Review status: criteria provided, single submitter. Criteria: Ambry Variant Classification Scheme 2023. Collection method: clinical testing. Allele origin: germline.

Blueprint Genetics
Classification: Likely benign. Last evaluated: 2022-03-30. Review status: criteria provided, single submitter. Criteria: ACMG Guidelines, 2015. Collection method: clinical testing. Allele origin: germline.